The following is an entry in ClinVar:

ClinVar aggregate classification (germline): Conflicting classifications of pathogenicity. Review status: criteria provided, conflicting classifications (1 of 4 stars). 2 submissions from 2 submitters: Likely pathogenic (1); Uncertain significance (1). Last evaluated 2026-07-29.

Conditions:
Noonan syndrome 7 (NS7). Also called: BRAF-Related Noonan Syndrome. Identifiers: Orphanet 648, MedGen C3150970, MONDO:0013379, OMIM 613706.

Allele frequency attached by ClinVar (database versions not stated): gnomAD exomes below 0.00001.
gnomAD v4.1: 1 of 1,614,138 alleles (0.000062%); highest among the groups gnomAD compares: South Asian, 0.0011%; no homozygotes.

Submissions (2):

GeneDx
Classification: Uncertain significance. Last evaluated: 2026-07-29. Review status: criteria provided, single submitter. Criteria: GeneDx Variant Classification Process June 2021. Collection method: clinical testing. Allele origin: germline.
Comment: Not observed at significant frequency in large population cohorts (gnomAD); Missense variants in this gene are a common cause of disease and they are underrepresented in the general population; In silico analysis suggests that this missense variant does not alter protein structure/function; Has not been previously published as pathogenic or benign to our knowledge; This variant is associated with the following publications: (PMID: 15488754, 15520807, 16439621, 17603483, 24957944, 29493581)

Genomic Research Center, Shahid Beheshti University of Medical Sciences
Classification: Likely pathogenic for Noonan syndrome 7. Last evaluated: 2018-08-07. Review status: criteria provided, single submitter. Criteria: ACMG Guidelines, 2015. Collection method: clinical testing. Allele origin: unknown. Affected: yes. Observed: 1 variant allele.

NM_004333.6(BRAF):c.1387A>G (p.Ile463Val)

Gene: BRAF (B-Raf proto-oncogene, serine/threonine kinase; minus strand). Cytogenetic location: 7q34.
Variant type: single nucleotide variant.
Coding change: c.1387A>G on transcript NM_004333.6 (MANE Select); coding-DNA position 1387, A replaced by G.
Protein change: p.Ile463Val; replaces isoleucine 463 with valine.
Molecular consequence: missense variant.
Genome position (GRCh38, 1-based): chr7:140,781,621, T>C on the plus strand (A>G on the coding strand, the complement: BRAF is on the minus strand). VCF-style: chr7-140781621-T-C. GRCh37 (hg19) VCF-style: chr7-140481421-T-C.
Other names: c.1387A>G, p.Ile463Val (NM_001354609.2, NM_001378468.1, NM_001378474.1); c.1507A>G, p.Ile503Val (NM_001374244.1, NM_001374258.1); c.1396A>G, p.Ile466Val (NM_001378467.1); c.1321A>G, p.Ile441Val (NM_001378469.1); c.1285A>G, p.Ile429Val (NM_001378470.1); c.1276A>G, p.Ile426Val (NM_001378471.1); c.1231A>G, p.Ile411Val (NM_001378472.1, NM_001378473.1); c.1123A>G, p.Ile375Val (NM_001378475.1); and 1 more; short protein forms I463V, I375V, I411V, I426V, I429V, I441V, I466V, I503V.
Identifiers: ClinVar variation 587514 (VCV000587514.6), dbSNP rs1562957000, ClinGen allele CA369588903.